The following is an entry in ClinVar:

ClinVar aggregate classification (germline): Pathogenic/Likely pathogenic. Review status: criteria provided, multiple submitters, no conflicts (2 of 4 stars). 5 submissions from 5 submitters: Pathogenic (4); Likely pathogenic (1). Last evaluated 2025-10-03.

Conditions:
Bartter disease type 1. Also called: HYPERPROSTAGLANDIN E SYNDROME 1; HYPOKALEMIC ALKALOSIS WITH HYPERCALCIURIA 1, ANTENATAL; Bartter syndrome, type 1, antenatal; Bartter Syndrome type 1. Identifiers: Orphanet 112, Orphanet 620217, MedGen C1866495, MONDO:0100344, OMIM 601678, MONDO:0011127.

Allele frequency attached by ClinVar (database versions not stated): gnomAD exomes below 0.00001.
gnomAD v4.1: 1 of 1,610,178 alleles (0.000062%); highest among the groups gnomAD compares: South Asian, 0.0011%; no homozygotes.

Submissions (5):

Rare Kidney Stone Consortium and the Mayo Clinic Hyperoxaluria Center, Mayo Clinic
Classification: Pathogenic for Bartter disease type 1. Last evaluated: 2025-10-03. Review status: criteria provided, single submitter. Criteria: ACMG Guidelines, 2015. Collection method: research. Allele origin: germline. Observed: 1 variant allele.
Comment: ACMG:PVS1, PM2, PP3, PP5

First Genomix Gene Laboratory, Genetic Diagnostics Department
Classification: Pathogenic for Bartter disease type 1. Last evaluated: 2025-08-26. Review status: criteria provided, single submitter. Criteria: ACMG Guidelines, 2015. Collection method: clinical testing. Allele origin: germline. Inheritance: Autosomal recessive inheritance. Affected: no. Observed: 1 variant allele.

Fulgent Genetics
Classification: Pathogenic for Bartter disease type 1. Last evaluated: 2024-05-15. Review status: criteria provided, single submitter. Criteria: ACMG Guidelines, 2015. Collection method: clinical testing. Allele origin: germline.

Labcorp Genetics (formerly Invitae), Labcorp
Classification: Pathogenic. Last evaluated: 2020-07-28. Review status: criteria provided, single submitter. Criteria: Invitae Variant Classification Sherloc (09022015). Collection method: clinical testing. Allele origin: germline.
Comment: For these reasons, this variant has been classified as Pathogenic. This sequence change creates a premature translational stop signal (p.Gln906*) in the SLC12A1 gene. It is expected to result in an absent or disrupted protein product. This variant is not present in population databases (ExAC no frequency). This variant has not been reported in the literature in individuals with SLC12A1-related conditions. Loss-of-function variants in SLC12A1 are known to be pathogenic (PMID: 8640224, 9585600, 19096086).

GeneDx
Classification: Likely pathogenic. Last evaluated: 2019-09-17. Review status: criteria provided, single submitter. Criteria: GeneDx Variant Classification Process June 2021. Collection method: clinical testing. Allele origin: germline. Affected: yes.
Comment: Nonsense variant predicted to result in protein truncation or nonsense mediated decay in a gene for which loss-of-function is a known mechanism of disease; Not observed in large population cohorts (Lek et al., 2016); Has not been previously published as pathogenic or benign to our knowledge

Literature cited by the submitters: PubMed 37464296 (cited by Rare Kidney Stone Consortium and the Mayo Clinic Hyperoxaluria Center, Mayo Clinic); PubMed 40794449 (cited by Rare Kidney Stone Consortium and the Mayo Clinic Hyperoxaluria Center, Mayo Clinic); PubMed 8640224 (cited by Labcorp Genetics (formerly Invitae), Labcorp); PubMed 9585600 (cited by Labcorp Genetics (formerly Invitae), Labcorp); PubMed 19096086 (cited by Labcorp Genetics (formerly Invitae), Labcorp).

NM_000338.3(SLC12A1):c.2716C>T (p.Gln906Ter)

Gene: SLC12A1 (solute carrier family 12 member 1; plus strand). Cytogenetic location: 15q21.1.
Variant type: single nucleotide variant.
Coding change: c.2716C>T on transcript NM_000338.3 (MANE Select); coding-DNA position 2716, C replaced by T.
Protein change: p.Gln906Ter; replaces glutamine 906 with a stop codon.
Molecular consequence: nonsense.
Genome position (GRCh38, 1-based): chr15:48,288,129, C>T. VCF-style: chr15-48288129-C-T. GRCh37 (hg19) VCF-style: chr15-48580326-C-T.
Other names: c.2716C>T, p.Gln906Ter (NM_001184832.2, NM_001384136.1); short protein forms Q906*.
Identifiers: ClinVar variation 1070803 (VCV001070803.13), dbSNP rs1597456179, ClinGen allele CA392317893.